The following is an entry in ClinVar:

ClinVar aggregate classification (germline): Uncertain significance. Review status: criteria provided, multiple submitters, no conflicts (2 of 4 stars). 2 submissions from 2 submitters: Uncertain significance (2). Last evaluated 2023-07-10.

Conditions:
Neuroblastoma, susceptibility to, 3. Also called: ALK-Related Neuroblastic Tumor Susceptibility. Identifiers: Orphanet 635, MedGen C2751681, MONDO:0013083, OMIM 613014.
Hereditary cancer-predisposing syndrome. Also called: Hereditary neoplastic syndrome; Tumor predisposition; Neoplastic Syndromes, Hereditary; Hereditary Cancer Syndrome. Identifiers: Orphanet 140162, MedGen C0027672, MeSH D009386, MONDO:0015356.

Submissions (2):

Labcorp Genetics (formerly Invitae), Labcorp
Classification: Uncertain significance for Neuroblastoma, susceptibility to, 3. Last evaluated: 2023-07-10. Review status: criteria provided, single submitter. Criteria: Invitae Variant Classification Sherloc (09022015). Collection method: clinical testing. Allele origin: germline.
Comment: In summary, the available evidence is currently insufficient to determine the role of this variant in disease. Therefore, it has been classified as a Variant of Uncertain Significance. An algorithm developed to predict the effect of missense changes on protein structure and function (PolyPhen-2) suggests that this variant is likely to be disruptive. ClinVar contains an entry for this variant (Variation ID: 1719143). This variant has not been reported in the literature in individuals affected with ALK-related conditions. This variant is not present in population databases (gnomAD no frequency). This sequence change replaces proline, which is neutral and non-polar, with serine, which is neutral and polar, at codon 1215 of the ALK protein (p.Pro1215Ser).

Ambry Genetics
Classification: Uncertain significance for Hereditary cancer-predisposing syndrome. Last evaluated: 2022-09-16. Review status: criteria provided, single submitter. Criteria: Ambry Variant Classification Scheme 2023. Collection method: clinical testing. Allele origin: germline.
Comment: The p.P1215S variant (also known as c.3643C>T), located in coding exon 23 of the ALK gene, results from a C to T substitution at nucleotide position 3643. The proline at codon 1215 is replaced by serine, an amino acid with similar properties. This amino acid position is conserved. In addition, the in silico prediction for this alteration is inconclusive. Since supporting evidence is limited at this time, the clinical significance of this alteration remains unclear.

NM_004304.5(ALK):c.3643C>T (p.Pro1215Ser)

Gene: ALK (ALK receptor tyrosine kinase; minus strand). Cytogenetic location: 2p23.2.
Variant type: single nucleotide variant.
Coding change: c.3643C>T on transcript NM_004304.5 (MANE Select); coding-DNA position 3643, C replaced by T.
Protein change: p.Pro1215Ser; replaces proline 1215 with serine.
Molecular consequence: missense variant.
Genome position (GRCh38, 1-based): chr2:29,220,708, G>A on the plus strand (C>T on the coding strand, the complement: ALK is on the minus strand). VCF-style: chr2-29220708-G-A. GRCh37 (hg19) VCF-style: chr2-29443574-G-A.
Other names: c.439C>T, p.Pro147Ser (NM_001353765.2); short protein forms P1215S, P147S.
Identifiers: ClinVar variation 1719143 (VCV001719143.8), dbSNP rs2148166267, ClinGen allele CA346472952.